The following is an entry in ClinVar:

NM_006019.4(TCIRG1):c.1595C>G (p.Ser532Cys)

Gene: TCIRG1 (T cell immune regulator 1, ATPase H+ transporting V0 subunit a3; plus strand). Cytogenetic location: 11q13.2.
Variant type: single nucleotide variant.
Coding change: c.1595C>G on transcript NM_006019.4 (MANE Select); coding-DNA position 1595, C replaced by G.
Protein change: p.Ser532Cys; replaces serine 532 with cysteine.
Molecular consequence: missense variant.
Genome position (GRCh38, 1-based): chr11:68,048,919, C>G. VCF-style: chr11-68048919-C-G. GRCh37 (hg19) VCF-style: chr11-67816386-C-G.
Other names: c.701C>G, p.Ser234Cys (NM_001351059.2); c.947C>G, p.Ser316Cys (NM_006053.4); short protein forms S234C, S316C, S532C.
Identifiers: ClinVar variation 2175503 (VCV002175503.1), dbSNP rs371214361, ClinGen allele CA6147198.

ClinVar aggregate classification (germline): Uncertain significance (1 of 4 stars; one submission).

Allele frequency attached by ClinVar (database versions not stated): gnomAD 0.00001; ExAC 0.00002; TOPMed 0.00002; ESP Exome Variant Server 0.00008.

Submission:

Labcorp Genetics (formerly Invitae), Labcorp
Classification: Uncertain significance. Last evaluated: 2022-05-25. Review status: criteria provided, single submitter. Criteria: Invitae Variant Classification Sherloc (09022015). Collection method: clinical testing. Allele origin: germline.
Comment: This sequence change replaces serine, which is neutral and polar, with cysteine, which is neutral and slightly polar, at codon 532 of the TCIRG1 protein (p.Ser532Cys). This variant is present in population databases (rs371214361, gnomAD 0.003%). This variant has not been reported in the literature in individuals affected with TCIRG1-related conditions. Algorithms developed to predict the effect of missense changes on protein structure and function are either unavailable or do not agree on the potential impact of this missense change (SIFT: "Deleterious"; PolyPhen-2: "Probably Damaging"; Align-GVGD: "Class C0"). In summary, the available evidence is currently insufficient to determine the role of this variant in disease. Therefore, it has been classified as a Variant of Uncertain Significance.